The following is an entry in ClinVar:

ClinVar aggregate classification (germline): Uncertain significance (1 of 4 stars; one submission).

Submission:

Labcorp Genetics (formerly Invitae), Labcorp
Classification: Uncertain significance. Last evaluated: 2022-07-02. Review status: criteria provided, single submitter. Criteria: Invitae Variant Classification Sherloc (09022015). Collection method: clinical testing. Allele origin: germline.
Comment: Algorithms developed to predict the effect of missense changes on protein structure and function output the following: SIFT: "Not Available"; PolyPhen-2: "Benign"; Align-GVGD: "Not Available". The glycine amino acid residue is found in multiple mammalian species, which suggests that this missense change does not adversely affect protein function. This variant has not been reported in the literature in individuals affected with CEP250-related conditions. This variant is not present in population databases (gnomAD no frequency). This sequence change replaces aspartic acid, which is acidic and polar, with glycine, which is neutral and non-polar, at codon 2142 of the CEP250 protein (p.Asp2142Gly). In summary, the available evidence is currently insufficient to determine the role of this variant in disease. Therefore, it has been classified as a Variant of Uncertain Significance.

NM_007186.6(CEP250):c.6425A>G (p.Asp2142Gly)

Gene: CEP250 (centrosomal protein 250; plus strand). Cytogenetic location: 20q11.22.
Variant type: single nucleotide variant.
Coding change: c.6425A>G on transcript NM_007186.6 (MANE Select); coding-DNA position 6425, A replaced by G.
Protein change: p.Asp2142Gly; replaces aspartic acid 2142 with glycine.
Molecular consequence: missense variant.
Genome position (GRCh38, 1-based): chr20:35,504,794, A>G. VCF-style: chr20-35504794-A-G. GRCh37 (hg19) VCF-style: chr20-34092622-A-G.
Other names: c.4529A>G, p.Asp1510Gly (NM_001318219.1); short protein forms D1510G, D2142G.
Identifiers: ClinVar variation 2013105 (VCV002013105.4), dbSNP rs2516293981, ClinGen allele CA408757182.